The following is an entry in ClinVar:

NM_001059.3(TACR3):c.-232C>G

Gene: TACR3 (tachykinin receptor 3; minus strand). Cytogenetic location: 4q24.
Variant type: single nucleotide variant.
Coding change: c.-232C>G on transcript NM_001059.3 (MANE Select); 232 bases upstream of the start codon, C replaced by G.
Molecular consequence: 5 prime UTR variant.
Genome position (GRCh38, 1-based): chr4:103,719,907, G>C on the plus strand (C>G on the coding strand, the complement: TACR3 is on the minus strand). VCF-style: chr4-103719907-G-C. GRCh37 (hg19) VCF-style: chr4-104641064-G-C.
Identifiers: ClinVar variation 677747 (VCV000677747.2), dbSNP rs112217694, ClinGen allele CA11731097.
Genomic context (GRCh38, chr4:103,719,907, plus strand): 5'-AAGGGGCAACAGCTGCACTTTCTCAGAGGCGCTTGCGGCTCTGGCAGGCAGAAAGAATGA[G>C]ATCCTCCCGAGATTAAGGGTTATCGAGTCACATCACACGTAGGGAGGGTGCCAGCTGCCC-3'

ClinVar aggregate classification (germline): Benign. Review status: criteria provided, multiple submitters, no conflicts (2 of 4 stars). 2 submissions from 2 submitters: Benign (2). Last evaluated 2018-06-14.

Allele frequency attached by ClinVar (database versions not stated): 1000 Genomes Project 30x 0.02858; 1000 Genomes Project 0.02915; TOPMed 0.04821; gnomAD 0.04823 and 0.04906; gnomAD exomes 0.05039.
gnomAD v4.1: 29,853 of 600,726 alleles (5%); highest among the groups gnomAD compares: Non-Finnish European, 6%; 863 homozygotes.

Submissions (2):

GeneDx
Classification: Benign. Last evaluated: 2018-06-14. Review status: criteria provided, single submitter. Criteria: GeneDx Variant Classification (06012015). Collection method: clinical testing. Allele origin: germline. Affected: yes.
Comment: This variant is considered likely benign or benign based on one or more of the following criteria: it is a conservative change, it occurs at a poorly conserved position in the protein, it is predicted to be benign by multiple in silico algorithms, and/or has population frequency not consistent with disease.

Breakthrough Genomics
Classification: Benign. Review status: criteria provided, single submitter. Criteria: ACMG Guidelines, 2015. Collection method: not provided. Allele origin: germline. Inheritance: Autosomal recessive inheritance. Affected: yes.